The following is an entry in ClinVar:

NM_152663.5(RALGPS2):c.1024C>T (p.His342Tyr)

Gene: RALGPS2 (Ral GEF with PH domain and SH3 binding motif 2; plus strand). Cytogenetic location: 1q25.2.
Variant type: single nucleotide variant.
Coding change: c.1024C>T on transcript NM_152663.5 (MANE Select); coding-DNA position 1024, C replaced by T.
Protein change: p.His342Tyr; replaces histidine 342 with tyrosine.
Molecular consequence: missense variant. On other transcripts: non-coding transcript variant (2).
Genome position (GRCh38, 1-based): chr1:178,885,195, C>T. VCF-style: chr1-178885195-C-T. GRCh37 (hg19) VCF-style: chr1-178854330-C-T.
Other names: c.1024C>T, p.His342Tyr (NM_001286247.2, NM_001400042.1); short protein forms H342Y.
Identifiers: ClinVar variation 3387911 (VCV003387911.14).

ClinVar aggregate classification (germline): Likely benign (1 of 4 stars; one submission).

gnomAD v4.1: 13,255 of 1,612,888 alleles (0.82%); highest among the groups gnomAD compares: Non-Finnish European, 0.98%; 83 homozygotes.

Submission:

CeGaT Center for Human Genetics Tuebingen
Classification: Likely benign. Last evaluated: 2024-11-01. Review status: criteria provided, single submitter. Criteria: CeGaT Center For Human Genetics Tuebingen Variant Classification Criteria Version 2. Collection method: clinical testing. Allele origin: germline. Affected: yes. Observed: 1 variant allele.
Comment: RALGPS2: BS2